The following is an entry in ClinVar:

NM_024301.5(FKRP):c.4C>T (p.Arg2Trp)

Gene: FKRP (fukutin related protein; plus strand). Cytogenetic location: 19q13.32.
Variant type: single nucleotide variant.
Coding change: c.4C>T on transcript NM_024301.5 (MANE Select); coding-DNA position 4, C replaced by T.
Protein change: p.Arg2Trp; replaces arginine 2 with tryptophan.
Molecular consequence: missense variant.
Genome position (GRCh38, 1-based): chr19:46,755,454, C>T. VCF-style: chr19-46755454-C-T. GRCh37 (hg19) VCF-style: chr19-47258711-C-T.
Other names: c.4C>T, p.Arg2Trp (NM_001039885.3); short protein forms R2W.
Identifiers: ClinVar variation 664545 (VCV000664545.14), dbSNP rs748272589, ClinGen allele CA9532088.

ClinVar aggregate classification (germline): Uncertain significance. Review status: criteria provided, multiple submitters, no conflicts (2 of 4 stars). 4 submissions from 4 submitters: Uncertain significance (3). 1 of the submissions does not count toward it. Last evaluated 2025-05-15.

Conditions:
Cardiovascular phenotype. Identifiers: MedGen CN230736.
Walker-Warburg congenital muscular dystrophy. Also called: Muscular dystrophy-dystroglycanopathy, type A; Walker-Warburg syndrome. Identifiers: Orphanet 899, MedGen C0265221, MONDO:0000171.
Autosomal recessive limb-girdle muscular dystrophy type 2I. Also called: MUSCULAR DYSTROPHY-DYSTROGLYCANOPATHY (LIMB-GIRDLE), TYPE C, 5; MUSCULAR DYSTROPHY-DYSTROGLYCANOPATHY, LIMB-GIRDLE, FRKP-RELATED; MUSCULAR DYSTROPHY, LIMB-GIRDLE, TYPE 2I. Identifiers: Orphanet 34515, MedGen C1846672, MONDO:0011787, OMIM 607155.

Allele frequency attached by ClinVar (database versions not stated): gnomAD 0.00001; TOPMed 0.00002; ExAC 0.00006.

Submissions (4):

GeneDx
Classification: Uncertain significance. Last evaluated: 2025-05-15. Review status: criteria provided, single submitter. Criteria: GeneDx Variant Classification Process June 2021. Collection method: clinical testing. Allele origin: germline. Affected: yes.
Comment: Not observed at significant frequency in large population cohorts (gnomAD); Missense variants in this gene are a common cause of disease and they are underrepresented in the general population; In silico analysis supports that this missense variant has a deleterious effect on protein structure/function; Has not been previously published as pathogenic or benign to our knowledge; This variant is associated with the following publications: (PMID: 27439679)

Ambry Genetics
Classification: Uncertain significance for Cardiovascular phenotype. Last evaluated: 2024-08-01. Review status: criteria provided, single submitter. Criteria: Ambry Variant Classification Scheme 2023. Collection method: clinical testing. Allele origin: germline.
Comment: The p.R2W variant (also known as c.4C>T), located in coding exon 1 of the FKRP gene, results from a C to T substitution at nucleotide position 4. The arginine at codon 2 is replaced by tryptophan, an amino acid with dissimilar properties. This amino acid position is highly conserved in available vertebrate species. In addition, this alteration is predicted to be deleterious by in silico analysis. Based on the available evidence, the clinical significance of this variant remains unclear.

Labcorp Genetics (formerly Invitae), Labcorp
Classification: Uncertain significance for Walker-Warburg congenital muscular dystrophy. Last evaluated: 2024-07-31. Review status: criteria provided, single submitter. Criteria: Invitae Variant Classification Sherloc (09022015). Collection method: clinical testing. Allele origin: germline.
Comment: This sequence change replaces arginine, which is basic and polar, with tryptophan, which is neutral and slightly polar, at codon 2 of the FKRP protein (p.Arg2Trp). The frequency data for this variant in the population databases is considered unreliable, as metrics indicate poor data quality at this position in the gnomAD database. This variant has not been reported in the literature in individuals affected with FKRP-related conditions. ClinVar contains an entry for this variant (Variation ID: 664545). Advanced modeling of protein sequence and biophysical properties (such as structural, functional, and spatial information, amino acid conservation, physicochemical variation, residue mobility, and thermodynamic stability) has been performed at Invitae for this missense variant, however the output from this modeling did not meet the statistical confidence thresholds required to predict the impact of this variant on FKRP protein function. In summary, the available evidence is currently insufficient to determine the role of this variant in disease. Therefore, it has been classified as a Variant of Uncertain Significance.

Natera, Inc.
Classification: Uncertain significance for Limb-girdle muscular dystrophy type 2I. Last evaluated: 2021-05-10. Review status: no assertion criteria provided. Collection method: clinical testing. Allele origin: germline. Not counted in ClinVar's aggregate classification.